The following is an entry in ClinVar:

ClinVar aggregate classification (germline): Uncertain significance (1 of 4 stars; one submission).

gnomAD v4.1: 3 of 1,432,502 alleles (0.00021%); highest among the groups gnomAD compares: South Asian, 0.0013%; no homozygotes.

Submission:

Labcorp Genetics (formerly Invitae), Labcorp
Classification: Uncertain significance. Last evaluated: 2024-08-07. Review status: criteria provided, single submitter. Criteria: Invitae Variant Classification Sherloc (09022015). Collection method: clinical testing. Allele origin: germline.
Comment: This sequence change replaces arginine, which is basic and polar, with proline, which is neutral and non-polar, at codon 7 of the RP9 protein (p.Arg7Pro). This variant is not present in population databases (gnomAD no frequency). This variant has not been reported in the literature in individuals affected with RP9-related conditions. An algorithm developed to predict the effect of missense changes on protein structure and function outputs the following: PolyPhen-2: "Benign". The proline amino acid residue is found in multiple mammalian species, which suggests that this missense change does not adversely affect protein function. In summary, the available evidence is currently insufficient to determine the role of this variant in disease. Therefore, it has been classified as a Variant of Uncertain Significance.

NM_203288.2(RP9):c.20G>C (p.Arg7Pro)

Genes: RP9 (RP9 pre-mRNA splicing factor; minus strand), LOC129998225 (ATAC-STARR-seq lymphoblastoid silent region 18090; plus strand). Cytogenetic location: 7p14.3.
Variant type: single nucleotide variant.
Coding change: c.20G>C on transcript NM_203288.2 (MANE Select); coding-DNA position 20, G replaced by C.
Protein change: p.Arg7Pro; replaces arginine 7 with proline.
Molecular consequence: missense variant.
Genome position (GRCh38, 1-based): chr7:33,109,353, C>G on the plus strand (G>C on the coding strand, the complement: RP9 is on the minus strand). VCF-style: chr7-33109353-C-G. GRCh37 (hg19) VCF-style: chr7-33148965-C-G.
Other names: short protein forms R7P.
Identifiers: ClinVar variation 3618596 (VCV003618596.2).